The following is an entry in ClinVar:

ClinVar aggregate classification (germline): Uncertain significance (1 of 4 stars; one submission).

gnomAD v4.1: 4 of 1,614,116 alleles (0.00025%); highest among the groups gnomAD compares: Non-Finnish European, 0.00034%; no homozygotes.

Submission:

Labcorp Genetics (formerly Invitae), Labcorp
Classification: Uncertain significance. Last evaluated: 2024-04-18. Review status: criteria provided, single submitter. Criteria: Invitae Variant Classification Sherloc (09022015). Collection method: clinical testing. Allele origin: germline.
Comment: This sequence change replaces valine, which is neutral and non-polar, with alanine, which is neutral and non-polar, at codon 138 of the DYNC2LI1 protein (p.Val138Ala). This variant is not present in population databases (gnomAD no frequency). This variant has not been reported in the literature in individuals affected with DYNC2LI1-related conditions. ClinVar contains an entry for this variant (Variation ID: 2118138). An algorithm developed to predict the effect of missense changes on protein structure and function (PolyPhen-2) suggests that this variant is likely to be tolerated. In summary, the available evidence is currently insufficient to determine the role of this variant in disease. Therefore, it has been classified as a Variant of Uncertain Significance.

NM_016008.4(DYNC2LI1):c.413T>C (p.Val138Ala)

Gene: DYNC2LI1 (dynein cytoplasmic 2 light intermediate chain 1; plus strand). Cytogenetic location: 2p21.
Variant type: single nucleotide variant.
Coding change: c.413T>C on transcript NM_016008.4 (MANE Select); coding-DNA position 413, T replaced by C.
Protein change: p.Val138Ala; replaces valine 138 with alanine.
Molecular consequence: missense variant.
Genome position (GRCh38, 1-based): chr2:43,794,549, T>C. VCF-style: chr2-43794549-T-C. GRCh37 (hg19) VCF-style: chr2-44021688-T-C.
Other names: c.413T>C, p.Val138Ala (NM_001193464.2, NM_001348912.2, NM_001348913.2 and 1 more transcripts); short protein forms V138A.
Identifiers: ClinVar variation 2118138 (VCV002118138.4), dbSNP rs2467061640, ClinGen allele CA346657400.